The following is an entry in ClinVar:

ClinVar aggregate classification (germline): Conflicting classifications of pathogenicity. Review status: criteria provided, conflicting classifications (1 of 4 stars). 2 submissions from 2 submitters: Uncertain significance (1); Likely benign (1). Last evaluated 2024-06-14.

Allele frequency attached by ClinVar (database versions not stated): gnomAD 0.00003; TOPMed 0.00003; ExAC 0.00004.
gnomAD v4.1: 35 of 1,612,872 alleles (0.0022%); highest among the groups gnomAD compares: Middle Eastern, 0.033%; no homozygotes.

Submissions (2):

Blueprint Genetics
Classification: Likely benign. Last evaluated: 2024-06-14. Review status: criteria provided, single submitter. Criteria: ACMG Guidelines, 2015. Collection method: clinical testing. Allele origin: germline.

Labcorp Genetics (formerly Invitae), Labcorp
Classification: Uncertain significance. Last evaluated: 2024-02-24. Review status: criteria provided, single submitter. Criteria: Invitae Variant Classification Sherloc (09022015). Collection method: clinical testing. Allele origin: germline.
Comment: This sequence change replaces proline, which is neutral and non-polar, with serine, which is neutral and polar, at codon 258 of the MESP2 protein (p.Pro258Ser). This variant is present in population databases (rs765025021, gnomAD 0.005%). This variant has not been reported in the literature in individuals affected with MESP2-related conditions. ClinVar contains an entry for this variant (Variation ID: 2162678). Advanced modeling of protein sequence and biophysical properties (such as structural, functional, and spatial information, amino acid conservation, physicochemical variation, residue mobility, and thermodynamic stability) performed at Invitae indicates that this missense variant is not expected to disrupt MESP2 protein function with a negative predictive value of 80%. In summary, the available evidence is currently insufficient to determine the role of this variant in disease. Therefore, it has been classified as a Variant of Uncertain Significance.

NM_001039958.2(MESP2):c.772C>T (p.Pro258Ser)

Gene: MESP2 (mesoderm posterior bHLH transcription factor 2; plus strand). Cytogenetic location: 15q26.1.
Variant type: single nucleotide variant.
Coding change: c.772C>T on transcript NM_001039958.2 (MANE Select); coding-DNA position 772, C replaced by T.
Protein change: p.Pro258Ser; replaces proline 258 with serine.
Molecular consequence: missense variant.
Genome position (GRCh38, 1-based): chr15:89,777,129, C>T. VCF-style: chr15-89777129-C-T. GRCh37 (hg19) VCF-style: chr15-90320360-C-T.
Other names: short protein forms P258S.
Identifiers: ClinVar variation 2162678 (VCV002162678.4), dbSNP rs765025021, ClinGen allele CA7730504.